The following is an entry in ClinVar:

NM_000522.5(HOXA13):c.111G>T (p.Gly37=)

Genes: HOXA13 (homeobox A13; minus strand), LOC107126288 (NUP98-HOXA13 recombination region; plus strand). Cytogenetic location: 7p15.2.
Variant type: single nucleotide variant.
Coding change: c.111G>T on transcript NM_000522.5 (MANE Select); coding-DNA position 111, G replaced by T.
Protein change: p.Gly37=; no amino-acid change (glycine 37 retained).
Molecular consequence: synonymous variant.
Genome position (GRCh38, 1-based): chr7:27,199,967, C>A on the plus strand (G>T on the coding strand, the complement: HOXA13 is on the minus strand). VCF-style: chr7-27199967-C-A. GRCh37 (hg19) VCF-style: chr7-27239586-C-A.
Identifiers: ClinVar variation 3620822 (VCV003620822.2).
Genomic context (GRCh38, chr7:27,199,967, plus strand): 5'-GCCCCCGCCCCCGGCCCCGGCAGCCGCCGCCGCTGCAGCCGCTGCTGCAGCCGCCGCCGC[C>A]CCTTCCATGTTCTTGTTGAGCTCGTCGGCCACCAGGCCGCCGCCGTTGTCGTAGAGAAAC-3'
Protein context (NP_000513.2, residues 27-47): VADELNKNME[Gly37=]AAAAAAAAAA

ClinVar aggregate classification (germline): Uncertain significance (1 of 4 stars; one submission).

Submission:

Labcorp Genetics (formerly Invitae), Labcorp
Classification: Uncertain significance. Last evaluated: 2025-06-12. Review status: criteria provided, single submitter. Criteria: Invitae Variant Classification Sherloc (09022015). Collection method: clinical testing. Allele origin: germline.
Comment: This sequence change affects codon 37 of the HOXA13 mRNA. It is a 'silent' change, meaning that it does not change the encoded amino acid sequence of the HOXA13 protein. This variant is not present in population databases (gnomAD no frequency). This variant has not been reported in the literature in individuals affected with HOXA13-related conditions. ClinVar contains an entry for this variant (Variation ID: 3620822). Algorithms developed to predict the effect of sequence changes on RNA splicing suggest that this variant may create or strengthen a splice site. In summary, the available evidence is currently insufficient to determine the role of this variant in disease. Therefore, it has been classified as a Variant of Uncertain Significance.